The following is an entry in ClinVar:

ClinVar aggregate classification (germline): Uncertain significance (1 of 4 stars; one submission).

Conditions:
Inborn genetic diseases. Identifiers: MedGen C0950123, MeSH D030342.

gnomAD v4.1: 1 of 1,613,748 alleles (0.000062%); highest among the groups gnomAD compares: Non-Finnish European, 0.000085%; no homozygotes.

Submission:

Ambry Genetics
Classification: Uncertain significance for Inborn genetic diseases. Last evaluated: 2025-07-14. Review status: criteria provided, single submitter. Criteria: Ambry Variant Classification Scheme 2023. Collection method: clinical testing. Allele origin: germline.
Comment: The p.N1043K variant (also known as c.3129C>G), located in coding exon 14 of the MECOM gene, results from a C to G substitution at nucleotide position 3129. The asparagine at codon 1043 is replaced by lysine, an amino acid with similar properties. This amino acid position is conserved. In addition, this alteration is predicted to be tolerated by in silico analysis. Based on the available evidence, the clinical significance of this variant remains unclear.

NM_004991.4(MECOM):c.3129C>G (p.Asn1043Lys)

Gene: MECOM (MDS1 and EVI1 complex locus; minus strand). Cytogenetic location: 3q26.2.
Variant type: single nucleotide variant.
Coding change: c.3129C>G on transcript NM_004991.4 (MANE Select); coding-DNA position 3129, C replaced by G.
Protein change: p.Asn1043Lys; replaces asparagine 1043 with lysine.
Molecular consequence: missense variant.
Genome position (GRCh38, 1-based): chr3:169,092,993, G>C on the plus strand (C>G on the coding strand, the complement: MECOM is on the minus strand). VCF-style: chr3-169092993-G-C. GRCh37 (hg19) VCF-style: chr3-168810781-G-C.
Other names: c.2565C>G, p.Asn855Lys (NM_001366469.2, NM_005241.4, NM_001105078.4 and 1 more transcripts); c.2541C>G, p.Asn847Lys (NM_001366470.2, NM_001163999.2); c.2538C>G, p.Asn846Lys (NM_001366471.2, NM_001366472.2, NM_001164000.2); c.2130C>G, p.Asn710Lys (NM_001366473.2); c.1566C>G, p.Asn522Lys (NM_001366474.2); c.2760C>G, p.Asn920Lys (NM_001105077.4); c.3102C>G, p.Asn1034Lys (NM_001366466.2); c.2568C>G, p.Asn856Lys (NM_001366467.2, NM_001366468.2); short protein forms N710K, N846K, N856K, N1034K, N847K, N855K, N920K, N1043K.
Identifiers: ClinVar variation 4105771 (VCV004105771.1).
Genomic context (GRCh38, chr3:169,092,993, plus strand): 5'-TTTAAAAAGTAAAAGACAGCTTTACCTCTCCTCCACATTCCTGGGAGATTGGCTGCCATG[G>C]TTGCTGTTCCCAATGAAATTTCGAATTTCTGTGAAGTAAGCATCTTCTTTGTCATCCAGA-3'
Protein context (NP_004982.2, residues 1033-1053): TEIRNFIGNS[Asn1043Lys]HGSQSPRNVE